The following is an entry in ClinVar:

ClinVar aggregate classification (germline): Benign/Likely benign. Review status: criteria provided, multiple submitters, no conflicts (2 of 4 stars). 4 submissions from 4 submitters: Benign (2); Likely benign (1). 1 of the submissions does not count toward it. Last evaluated 2025-11-26.

Conditions:
SPTLC2-related disorder. Also called: SPTLC2-related condition.
Inborn genetic diseases. Identifiers: MedGen C0950123, MeSH D030342.
Neuropathy, hereditary sensory and autonomic, type 1C. Also called: HSAN IC; HSN IC. Identifiers: Orphanet 36386, MedGen C3150896, MONDO:0013337, OMIM 613640.

Submissions (4):

Labcorp Genetics (formerly Invitae), Labcorp
Classification: Benign for Neuropathy, hereditary sensory and autonomic, type 1C. Last evaluated: 2025-11-26. Review status: criteria provided, single submitter. Criteria: Invitae Variant Classification Sherloc (09022015). Collection method: clinical testing. Allele origin: germline.

Ambry Genetics
Classification: Likely benign for Inborn genetic diseases. Last evaluated: 2020-04-14. Review status: criteria provided, single submitter. Criteria: Ambry Variant Classification Scheme 2023. Collection method: clinical testing. Allele origin: germline.

GeneDx
Classification: Benign. Last evaluated: 2020-03-27. Review status: criteria provided, single submitter. Criteria: GeneDx Variant Classification Process June 2021. Collection method: clinical testing. Allele origin: germline. Affected: yes.

PreventionGenetics, part of Exact Sciences
Classification: Benign for SPTLC2-related condition. Last evaluated: 2019-09-17. Review status: no assertion criteria provided. Collection method: clinical testing. Allele origin: germline. Not counted in ClinVar's aggregate classification.
Comment: This variant is classified as benign based on ACMG/AMP sequence variant interpretation guidelines (Richards et al. 2015 PMID: 25741868, with internal and published modifications).

NM_004863.4(SPTLC2):c.105AGCCGC[2] (p.Ala41_Ala42del)

Gene: SPTLC2 (serine palmitoyltransferase long chain base subunit 2; minus strand). Cytogenetic location: 14q24.3.
Variant type: Microsatellite.
Coding change: c.105AGCCGC[2] on transcript NM_004863.4 (MANE Select); two copies in a row of the 6-base unit AGCCGC starting at c.105; the reference has three copies in a row; one copy, 6 bases deleted.
Protein change: p.Ala41_Ala42del.
Molecular consequence: inframe deletion.
Genome position (GRCh38, 1-based): chr14:77,616,458-77,616,463, GCGGCT deleted on the plus strand (AGCCGC on the coding strand, the reverse complement: SPTLC2 is on the minus strand); deleting any 6 consecutive bases within chr14:77,616,458-77,616,477 gives the same sequence; the position shown is the placement nearest the transcript's 3' end. VCF-style (leftmost placement, unchanged base first): chr14-77616457-GGCGGCT-G. GRCh37 (hg19) VCF-style: chr14-78082800-GGCGGCT-G.
Other names: c.117_122delAGCCGC (NM_004863.3).
Identifiers: ClinVar variation 517107 (VCV000517107.18), dbSNP rs577436926, ClinGen allele CA7289519.